The following is an entry in ClinVar:

ClinVar aggregate classification (germline): Uncertain significance. Review status: criteria provided, multiple submitters, no conflicts (2 of 4 stars). 2 submissions from 2 submitters: Uncertain significance (2). Last evaluated 2024-12-02.

Conditions:
Atrial conduction disease. Identifiers: Orphanet 436242, MedGen CN221670, MONDO:0014500.

Allele frequency attached by ClinVar (database versions not stated): gnomAD 0.00001; TOPMed 0.00001; gnomAD exomes 0.00002.
gnomAD v4.1: 23 of 1,609,328 alleles (0.0014%); highest among the groups gnomAD compares: Non-Finnish European, 0.002%; no homozygotes.

Submissions (2):

Labcorp Genetics (formerly Invitae), Labcorp
Classification: Uncertain significance. Last evaluated: 2024-12-02. Review status: criteria provided, single submitter. Criteria: Invitae Variant Classification Sherloc (09022015). Collection method: clinical testing. Allele origin: germline.
Comment: This sequence change replaces leucine, which is neutral and non-polar, with proline, which is neutral and non-polar, at codon 135 of the TNNI3K protein (p.Leu135Pro). This variant is not present in population databases (gnomAD no frequency). This variant has not been reported in the literature in individuals affected with TNNI3K-related conditions. ClinVar contains an entry for this variant (Variation ID: 1478307). Invitae Evidence Modeling of protein sequence and biophysical properties (such as structural, functional, and spatial information, amino acid conservation, physicochemical variation, residue mobility, and thermodynamic stability) indicates that this missense variant is not expected to disrupt TNNI3K protein function with a negative predictive value of 80%. In summary, the available evidence is currently insufficient to determine the role of this variant in disease. Therefore, it has been classified as a Variant of Uncertain Significance.

Laboratorio de Genetica e Diagnostico Molecular, Hospital Israelita Albert Einstein
Classification: Uncertain significance for Cardiac conduction disease with or without dilated cardiomyopathy 1. Last evaluated: 2023-04-17. Review status: criteria provided, single submitter. Criteria: ACMG Guidelines, 2015. Collection method: clinical testing. Allele origin: germline. Affected: yes.
Comment: ACMG classification criteria: PM2 moderate

NM_015978.3(TNNI3K):c.404T>C (p.Leu135Pro)

Genes: FPGT-TNNI3K (FPGT-TNNI3K readthrough; plus strand), TNNI3K (TNNI3 interacting kinase; plus strand). Cytogenetic location: 1p31.1.
Variant type: single nucleotide variant.
Coding change: c.404T>C on transcript NM_015978.3 (MANE Select); coding-DNA position 404, T replaced by C.
Protein change: p.Leu135Pro; replaces leucine 135 with proline.
Molecular consequence: missense variant.
Genome position (GRCh38, 1-based): chr1:74,271,668, T>C. VCF-style: chr1-74271668-T-C. GRCh37 (hg19) VCF-style: chr1-74737352-T-C.
Other names: c.707T>C, p.Leu236Pro (NM_001112808.3, NM_001199327.2); short protein forms L135P, L236P.
Identifiers: ClinVar variation 1478307 (VCV001478307.9), dbSNP rs202214337, ClinGen allele CA24501273.